The following is an entry in ClinVar:

NM_022089.4(ATP13A2):c.256G>A (p.Glu86Lys)

Gene: ATP13A2 (ATPase cation transporting 13A2; minus strand). Cytogenetic location: 1p36.13.
Variant type: single nucleotide variant.
Coding change: c.256G>A on transcript NM_022089.4 (MANE Select); coding-DNA position 256, G replaced by A.
Protein change: p.Glu86Lys; replaces glutamic acid 86 with lysine.
Molecular consequence: missense variant.
Genome position (GRCh38, 1-based): chr1:17,005,406, C>T on the plus strand (G>A on the coding strand, the complement: ATP13A2 is on the minus strand). VCF-style: chr1-17005406-C-T. GRCh37 (hg19) VCF-style: chr1-17331901-C-T.
Other names: c.256G>A, p.Glu86Lys (NM_001141973.3, NM_001141974.3); short protein forms E86K.
Identifiers: ClinVar variation 2194159 (VCV002194159.12), dbSNP rs1557715739, ClinGen allele CA338264231.
Genomic context (GRCh38, chr1:17,005,406, plus strand): 5'-CTAGCCCCAGGCTCAGCCTGACTCTCACCTCTTTGTCTCTTATTTCGATAACGAGTGTTT[C>T]GGCGTGGGCCAGGTTGCAGGGCCGGAGCCGCAGCCGCACCCCCCACAGGGGCTTCCAACG-3'
Protein context (NP_071372.1, residues 76-96): RLRPCNLAHA[Glu86Lys]TLVIEIRDKE

ClinVar aggregate classification (germline): Uncertain significance. Review status: criteria provided, multiple submitters, no conflicts (2 of 4 stars). 2 submissions from 2 submitters: Uncertain significance (2). Last evaluated 2025-06-01.

Conditions:
Kufor-Rakeb syndrome (KRS). Also called: PARKINSON DISEASE 9, AUTOSOMAL RECESSIVE, JUVENILE-ONSET. Identifiers: Orphanet 306674, Orphanet 314632, MedGen C1847640, MONDO:0011706, OMIM 606693.
Autosomal recessive spastic paraplegia type 78. Identifiers: Orphanet 513436, MedGen C5567893, MONDO:0014975, OMIM 617225.

Allele frequency attached by ClinVar (database versions not stated): TOPMed below 0.00001; gnomAD exomes 0.00001.
gnomAD v4.1: 9 of 1,610,398 alleles (0.00056%); highest among the groups gnomAD compares: African/African-American, 0.0013%; no homozygotes.

Submissions (2):

CeGaT Center for Human Genetics Tuebingen
Classification: Uncertain significance. Last evaluated: 2025-06-01. Review status: criteria provided, single submitter. Criteria: CeGaT Center For Human Genetics Tuebingen Variant Classification Criteria Version 2. Collection method: clinical testing. Allele origin: germline. Affected: yes. Observed: 1 variant allele.
Comment: ATP13A2: PM2

Labcorp Genetics (formerly Invitae), Labcorp
Classification: Uncertain significance for Kufor-Rakeb syndrome; Autosomal recessive spastic paraplegia type 78. Last evaluated: 2022-05-27. Review status: criteria provided, single submitter. Criteria: Invitae Variant Classification Sherloc (09022015). Collection method: clinical testing. Allele origin: germline.
Comment: In summary, the available evidence is currently insufficient to determine the role of this variant in disease. Therefore, it has been classified as a Variant of Uncertain Significance. Advanced modeling of protein sequence and biophysical properties (such as structural, functional, and spatial information, amino acid conservation, physicochemical variation, residue mobility, and thermodynamic stability) performed at Invitae indicates that this missense variant is not expected to disrupt ATP13A2 protein function. This variant has not been reported in the literature in individuals affected with ATP13A2-related conditions. This variant is not present in population databases (gnomAD no frequency). This sequence change replaces glutamic acid, which is acidic and polar, with lysine, which is basic and polar, at codon 86 of the ATP13A2 protein (p.Glu86Lys).